The following is an entry in ClinVar:

ClinVar aggregate classification (germline): Uncertain significance (1 of 4 stars; one submission).

Submission:

Labcorp Genetics (formerly Invitae), Labcorp
Classification: Uncertain significance. Last evaluated: 2022-08-15. Review status: criteria provided, single submitter. Criteria: Invitae Variant Classification Sherloc (09022015). Collection method: clinical testing. Allele origin: germline.
Comment: In summary, the available evidence is currently insufficient to determine the role of this variant in disease. Therefore, it has been classified as a Variant of Uncertain Significance. Experimental studies and prediction algorithms are not available or were not evaluated, and the functional significance of this variant is currently unknown. This variant has not been reported in the literature in individuals affected with SRCAP-related conditions. This variant is not present in population databases (gnomAD no frequency). This variant, c.4732_4734del, results in the deletion of 1 amino acid(s) of the SRCAP protein (p.Ser1578del), but otherwise preserves the integrity of the reading frame.

NM_006662.3(SRCAP):c.4729TCT[1] (p.Ser1578del)

Gene: SRCAP (Snf2 related CREBBP activator protein; plus strand). Cytogenetic location: 16p11.2.
Variant type: Microsatellite.
Coding change: c.4729TCT[1] on transcript NM_006662.3 (MANE Select); one copy of the 3-base unit TCT starting at c.4729; the reference has two copies in a row; one copy, 3 bases deleted.
Protein change: p.Ser1578del; deletes serine 1578.
Molecular consequence: inframe deletion.
Genome position (GRCh38, 1-based): chr16:30,724,156-30,724,158, TCT deleted; deleting any 3 consecutive bases within chr16:30,724,153-30,724,158 gives the same sequence; the position shown is the placement nearest the transcript's 3' end. VCF-style (leftmost placement, unchanged base first): chr16-30724152-ATCT-A. GRCh37 (hg19) VCF-style: chr16-30735473-ATCT-A.
Other names: short protein forms S1578del.
Identifiers: ClinVar variation 1386571 (VCV001386571.6), dbSNP rs2151294248, ClinGen allele CA2580613462.